The following is an entry in ClinVar:

ClinVar aggregate classification (germline): Uncertain significance. Review status: criteria provided, multiple submitters, no conflicts (2 of 4 stars). 2 submissions from 2 submitters: Uncertain significance (2). Last evaluated 2025-01-23.

Conditions:
Hypertrophic cardiomyopathy 26. Also called: Cardiomyopathy, familial hypertrophic, 26. Identifiers: Orphanet 75249, MedGen C4310749, MONDO:0014883, OMIM 617047.
Myofibrillar myopathy 5. Also called: Filaminopathy (type); FILAMINOPATHY, AUTOSOMAL DOMINANT. Identifiers: Orphanet 171445, MedGen C1836050, MONDO:0012289, OMIM 609524.
Distal myopathy with posterior leg and anterior hand involvement. Also called: WILLIAMS DISTAL MYOPATHY. Identifiers: Orphanet 63273, MedGen C3279722, MONDO:0013550, OMIM 614065.
Cardiovascular phenotype. Identifiers: MedGen CN230736.

Submissions (2):

Labcorp Genetics (formerly Invitae), Labcorp
Classification: Uncertain significance for Distal myopathy with posterior leg and anterior hand involvement; Myofibrillar myopathy 5; Hypertrophic cardiomyopathy 26. Last evaluated: 2025-01-23. Review status: criteria provided, single submitter. Criteria: Invitae Variant Classification Sherloc (09022015). Collection method: clinical testing. Allele origin: germline.
Comment: This sequence change replaces methionine, which is neutral and non-polar, with valine, which is neutral and non-polar, at codon 251 of the FLNC protein (p.Met251Val). This variant is not present in population databases (gnomAD no frequency). This variant has not been reported in the literature in individuals affected with FLNC-related conditions. ClinVar contains an entry for this variant (Variation ID: 2944479). Invitae Evidence Modeling of protein sequence and biophysical properties (such as structural, functional, and spatial information, amino acid conservation, physicochemical variation, residue mobility, and thermodynamic stability) has been performed for this missense variant. However, the output from this modeling did not meet the statistical confidence thresholds required to predict the impact of this variant on FLNC protein function. In summary, the available evidence is currently insufficient to determine the role of this variant in disease. Therefore, it has been classified as a Variant of Uncertain Significance.

Ambry Genetics
Classification: Uncertain significance for Cardiovascular phenotype. Last evaluated: 2024-12-24. Review status: criteria provided, single submitter. Criteria: Ambry Variant Classification Scheme 2023. Collection method: clinical testing. Allele origin: germline.
Comment: The p.M251V variant (also known as c.751A>G), located in coding exon 4 of the FLNC gene, results from an A to G substitution at nucleotide position 751. The methionine at codon 251 is replaced by valine, an amino acid with highly similar properties. This amino acid position is conserved. In addition, this alteration is predicted to be deleterious by in silico analysis. Based on the available evidence, the clinical significance of this variant remains unclear.

NM_001458.5(FLNC):c.751A>G (p.Met251Val)

Gene: FLNC (filamin C; plus strand). Cytogenetic location: 7q32.1.
Variant type: single nucleotide variant.
Coding change: c.751A>G on transcript NM_001458.5 (MANE Select); coding-DNA position 751, A replaced by G.
Protein change: p.Met251Val; replaces methionine 251 with valine.
Molecular consequence: missense variant.
Genome position (GRCh38, 1-based): chr7:128,837,449, A>G. VCF-style: chr7-128837449-A-G. GRCh37 (hg19) VCF-style: chr7-128477503-A-G.
Other names: c.751A>G, p.Met251Val (NM_001127487.2); short protein forms M251V.
Identifiers: ClinVar variation 2944479 (VCV002944479.4), dbSNP rs2536618322, ClinGen allele CA369222149.
Genomic context (GRCh38, chr7:128,837,449, plus strand): 5'-CCATCGCAGGTCATTGCCCCTGAGGAGATTGTGGACCCCAACGTGGATGAGCATTCTGTT[A>G]TGACCTACCTGTCCCAGTTCCCCAAGGCCAAGCTCAAACCTGGTGCCCCTGTTCGATCCA-3'
Protein context (NP_001449.3, residues 241-261): VDPNVDEHSV[Met251Val]TYLSQFPKAK